The following is an entry in ClinVar:

NM_001354712.2(THRB):c.*5429C>G

Gene: THRB (thyroid hormone receptor beta; minus strand). Cytogenetic location: 3p24.2.
Variant type: single nucleotide variant.
Coding change: c.*5429C>G on transcript NM_001354712.2 (MANE Select); 5429 bases downstream of the stop codon, C replaced by G.
Molecular consequence: 3 prime UTR variant.
Genome position (GRCh38, 1-based): chr3:24,117,455, G>C on the plus strand (C>G on the coding strand, the complement: THRB is on the minus strand). VCF-style: chr3-24117455-G-C. GRCh37 (hg19) VCF-style: chr3-24158946-G-C.
Other names: c.*5429C>G (NM_000461.5, NM_001128176.3, NM_001128177.2 and 8 more transcripts).
Identifiers: ClinVar variation 344536 (VCV000344536.5), dbSNP rs141920435, ClinGen allele CA10615503.
Genomic context (GRCh38, chr3:24,117,455, plus strand): 5'-GCTGACTGTCCCTCTTTCCCCTCACCCAGTTCCAGGATTCCTGAGGATAAGGTTGGTTAT[G>C]CATCTGTTTTCCTCACCACAGTGATTGGCTCAGGAATGGGCACATGACTGAACTTGGGCC-3'

ClinVar aggregate classification (germline): Benign (1 of 4 stars; one submission).

Conditions:
Thyroid hormone resistance, generalized, autosomal dominant (GRTHD). Also called: HYPERTHYROXINEMIA, FAMILIAL EUTHYROID, SECONDARY TO PITUITARY AND PERIPHERAL RESISTANCE TO THYROID HORMONES. Identifiers: MedGen C2937288, MONDO:0008569, OMIM 188570.

Allele frequency attached by ClinVar (database versions not stated): gnomAD 0.00117 and 0.00120; TOPMed 0.00139; 1000 Genomes Project 0.00180; 1000 Genomes Project 30x 0.00187.

Submission:

Illumina Laboratory Services, Illumina
Classification: Benign for Thyroid hormone resistance, generalized, autosomal dominant. Last evaluated: 2018-01-12. Review status: criteria provided, single submitter. Criteria: ICSL Variant Classification Criteria 13 December 2019. Collection method: clinical testing. Allele origin: germline.
Comment: This variant was observed in the ICSL laboratory as part of a predisposition screen in an ostensibly healthy population. It had not been previously curated by ICSL or reported in the Human Gene Mutation Database (HGMD: prior to June 1st, 2018), and was therefore a candidate for classification through an automated scoring system. Utilizing variant allele frequency, disease prevalence and penetrance estimates, and inheritance mode, an automated score was calculated to assess if this variant is too frequent to cause the disease. Based on the score and internal cut-off values, a variant classified as benign is not then subjected to further curation. The score for this variant resulted in a classification of benign for this disease.